The following continues an entry in ClinVar:

NM_001048174.2(MUTYH):c.616G>A (p.Val206Met)

Gene: MUTYH. ClinVar aggregate classification (germline): Conflicting classifications of pathogenicity. Pathogenic (4); Likely pathogenic (11); Uncertain significance (6).

Submissions 7 to 17 of 22:

GeneDx
Classification: Pathogenic. Last evaluated: 2025-04-30. Review status: criteria provided, single submitter. Criteria: GeneDx Variant Classification Process June 2021. Collection method: clinical testing. Allele origin: germline. Affected: yes.
Comment: Observed as heterozygous in individuals with colon cancer as well as in healthy controls (PMID: 16774938, 14991577); Published functional studies demonstrate partially defective base excision repair activity, but DNA glycosylase activity and mutation suppression ability similar to wild-type (PMID: 25820570, 26694661); In silico analysis indicates that this missense variant does not alter protein structure/function; Also known as c.658G>A p.(V220M); This variant is associated with the following publications: (PMID: 19725997, 20725929, 14991577, 16774938, 25820570, 15465463, 25980754, 26694661, 28944238, 33436027, 29360161, 26580448, 26377631, 15326180, 9846876, 17581577, 17161978, 35034041, 37357966, 33471991, 38196581, 33850299, 34326862, 36744932, 31422818, 23108399, 11801590, 30374176)

Women's Health and Genetics/Laboratory Corporation of America, LabCorp
Classification: Pathogenic for Familial adenomatous polyposis 2. Last evaluated: 2024-12-19. Review status: criteria provided, single submitter. Criteria: LabCorp Variant Classification Summary - May 2015. Collection method: clinical testing. Allele origin: germline.
Comment: Variant summary: MUTYH c.700G>A (p.Val234Met) results in a conservative amino acid change located in the DNA-glycosylase domain (IPR011257) of the encoded protein sequence. Four of five in-silico tools predict a damaging effect of the variant on protein function. The variant allele was found at a frequency of 0.00025 in 1613998 control chromosomes. This frequency is not significantly higher than estimated for a pathogenic variant in MUTYH causing MUTYH-Associated Polyposis (0.00025 vs 0.0046), allowing no conclusion about variant significance. c.700G>A has been reported in the literature in individuals affected with Lynch syndrome, pancreatic cancer, relapsed pediatric acute myeloid leukemia, endometrial cancer without strong evidence for causality, or in a patient affected with colon cancer (e.g. Fleischmann 2004, Peterlongo 2006, Yurgelun 2015, Dudley_2018, Umeda_2022, Gordhandas_2023). It has also been observed as a biallelic compound heterozygous genotype with another pathogenic MUTYH variant in at-least 5 informative individuals in a family with clinical features of MUTYH-associated polyposis (c.536A>G/p.Y179C) (e.g. Tsai_2019, Young_2024) and at our laboratory (internal data). These data indicate that the variant is likely to be associated with disease in recessive pattern. One functional study in which the variant was expressed in MutY-disrupted Escherichia coli showed the variant to be partially defective, resulting in 2-fold higher spontaneous mutation rates compared to WT (Komine 2015). However, other functional studies found the variant to have only slightly impaired mismatch repair activity in human cells (e.g. Shinmura 2016, Young_2024). The following publications have been ascertained in the context of this evaluation (PMID: 29360161, 14991577, 38397143, 25820570, 16774938, 26694661, 30374176, 35176137, 38196581, 25980754, 26580448). ClinVar contains an entry for this variant (Variation ID: 135989). Based on the evidence outlined above, the variant was classified as pathogenic.

Quest Diagnostics Nichols Institute San Juan Capistrano
Classification: Likely pathogenic. Last evaluated: 2024-10-21. Review status: criteria provided, single submitter. Criteria: Quest Diagnostics criteria. Collection method: clinical testing. Allele origin: unknown.
Comment: The MUTYH c.700G>A (p.Val234Met) variant has been reported in the published literature in individuals affected with Lynch syndrome-associated cancers and/or polyps (PMID: 16774938 (2006), 14991577 (2004), 25980754 (2015), 28944238 (2017), 31422818 (2019), 33436027 (2021)), breast cancer (PMID: 33471991 (2021), see also LOVD), endometrial cancer (PMID: 36744932 (2023)) and hematological malignancies (PMID: 33850299 (2021)). This variant has also been observed in reportedly healthy individuals (PMID: 33471991 (2021), see also LOVD). This variant was determined to segregate with disease in five siblings, each of whom were also positive for a known MUTYH pathogenic variant (c.536A>G, p.Tyr179Cys) and a documented history of colon cancer and/or over 20 colonic polyps (PMID: 30374176 (2019)). Functional studies examining the effect of this variant on MUTYH protein function have yielded conflicting results (PMID: 25820570 (2015), 26694661 (2016)). The frequency of this variant in the general population, 0.00018 (23/128662 chromosomes (Genome Aggregation Database)), is uninformative in the assessment of its pathogenicity. Analysis of this variant using bioinformatics tools for the prediction of the effect of amino acid changes on protein structure and function yielded predictions that this variant is damaging. Based on the available information, this variant is classified as likely pathogenic.

All of Us Research Program, National Institutes of Health
Classification: Likely pathogenic for Familial adenomatous polyposis 2. Last evaluated: 2024-09-27. Review status: criteria provided, single submitter. Criteria: ACMG Guidelines, 2015. Collection method: clinical testing. Allele origin: germline. Inheritance: Autosomal recessive inheritance. Observed: 69 variant alleles, 69 heterozygotes.
Comment: This missense variant replaces valine with methionine at codon 234 of the MUTYH protein (NM_001128425.1). This variant has also been reported as Val206Met in the context of an alternative transcript (NM_001048174.2). Computational prediction suggests that this variant may have deleterious impact on protein structure and function (internally defined REVEL score threshold >= 0.7, PMID: 27666373). A functional study has shown the mutant protein to exhibit a partial defect in DNA mismatch repair assay in a bacterial system (PMID: 25820570) but a near normal DNA mismatch repair activity in human cells despite partially reduced DNA glycosylase activity (PMID: 26694661). This variant has been reported in the compound heterozygous state with two different pathogenic MUTYH variants in two unrelated individuals affected with colorectal polyposis and cancer (PMID: 20618354, 30374176). For one of these probands, the same biallelic mutations were observed in four other siblings also affected with colorectal polyposis and cancer (PMID: 30374176). Additional individuals affected with colorectal polyposis and/or cancer who carried another disease causing variant in the same gene in addition to this variant have been reported by external laboratories (ClinVar SCV000211403.14, SCV000186820.7, external communication). This variant has also been observed in heterozygous individuals affected with colorectal cancer (PMID: 14991577, 16774938, 25980754). This variant has been identified in 24/282044 chromosomes (23/128662 Non-Finnish European chromosomes) in the general population by the Genome Aggregation Database (gnomAD). Based on the available evidence, this variant is classified as Likely Pathogenic.

This study involves interpretation of variants in research participants for the purpose of population health screening. Participant phenotype was not available at the time of variant classification. Additional details can be found in publication PMID: 35346344, PMCID: PMC8962531

Molecular Pathology, Peter Maccallum Cancer Centre
Classification: Likely pathogenic for Familial adenomatous polyposis 2. Last evaluated: 2024-06-07. Review status: criteria provided, single submitter. Criteria: ACMG Guidelines, 2015. Collection method: clinical testing. Allele origin: germline. Inheritance: Autosomal recessive inheritance.

Blueprint Genetics
Classification: Likely pathogenic for MUTYH-related disorders. Last evaluated: 2024-03-28. Review status: criteria provided, single submitter. Criteria: ACMG Guidelines, 2015. Collection method: clinical testing. Allele origin: germline. Affected: yes. Observed: 5 variant alleles.

Baylor Genetics
Classification: Likely pathogenic for Familial adenomatous polyposis 2. Last evaluated: 2024-03-11. Review status: criteria provided, single submitter. Criteria: ACMG Guidelines, 2015. Collection method: clinical testing. Allele origin: unknown.

Fulgent Genetics
Classification: Likely pathogenic for Familial adenomatous polyposis 2; Gastric cancer. Last evaluated: 2024-03-07. Review status: criteria provided, single submitter. Criteria: ACMG Guidelines, 2015. Collection method: clinical testing. Allele origin: germline.

Department of Pathology and Laboratory Medicine, Sinai Health System
Classification: Uncertain significance for Familial adenomatous polyposis 2; Gastric cancer. Last evaluated: 2024-02-02. Review status: criteria provided, single submitter. Criteria: ACMG Guidelines, 2015. Collection method: clinical testing. Allele origin: germline. Affected: yes.

ARUP Laboratories, Molecular Genetics and Genomics, ARUP Laboratories
Classification: Uncertain significance. Last evaluated: 2023-09-28. Review status: criteria provided, single submitter. Criteria: ARUP Molecular Germline Variant Investigation Process 2024. Collection method: clinical testing. Allele origin: germline.
Comment: The MUTYH c.700G>A; p.Val234Met variant (rs200165598), also known as Val220Met for traditional nomenclature, is reported in the literature in individuals with colorectal cancer but a second MUTYH variant was not identified (Fleischmann 2004, Peterlongo 2006, Yurgelun 2015). One functional study shows that the p.Val234Met variant protein has partially defective function (Komine 2015), while another study shows the variant protein retains normal repair activity (Shinmura 2016). This variant is reported in ClinVar (Variation ID: 135989). It is found in the general European (non-Finnish) population with an allele frequency of 0.02% (23/128662 alleles) in the Genome Aggregation Database. Due to limited information, the significance of this variant is uncertain at this time. REFERENCES Fleischmann C et al. Comprehensive analysis of the contribution of germline MYH variation to early-onset colorectal cancer. Int J Cancer. 2004 Apr 20;109(4):554-8. Komine K et al. Functional Complementation Assay for 47 MUTYH Variants in a MutY-Disrupted Escherichia coli Strain. Hum Mutat. 2015 Jul;36(7):704-11. Peterlongo P et al. Increased frequency of disease-causing MYH mutations in colon cancer families. Carcinogenesis. 2006 Nov;27(11):2243-9. Shinmura K et al. Functional Evaluation of Nine Missense-Type Variants of the Human DNA Glycosylase Enzyme MUTYH in the Japanese Population. Hum Mutat. 2016 Apr;37(4):350-3. Yurgelun MB et al. Identification of a Variety of Mutations in Cancer Predisposition Genes in Patients With Suspected Lynch Syndrome. Gastroenterology. 2015 Sep;149(3):604-13.e20.

Human Genome Sequencing Center Clinical Lab, Baylor College of Medicine
Classification: Likely pathogenic for MUTYH-associated polyposis. Last evaluated: 2023-09-19. Review status: criteria provided, single submitter. Criteria: ACMG Guidelines, 2015. Collection method: clinical testing. Allele origin: unknown.